The following is an entry in ClinVar:

NM_020964.3(EPG5):c.1564C>G (p.Pro522Ala)

Gene: EPG5 (ectopic P-granules 5 autophagy tethering factor; minus strand). Cytogenetic location: 18q21.1.
Variant type: single nucleotide variant.
Coding change: c.1564C>G on transcript NM_020964.3 (MANE Select); coding-DNA position 1564, C replaced by G.
Protein change: p.Pro522Ala; replaces proline 522 with alanine.
Molecular consequence: missense variant.
Genome position (GRCh38, 1-based): chr18:45,948,510, G>C on the plus strand (C>G on the coding strand, the complement: EPG5 is on the minus strand). VCF-style: chr18-45948510-G-C. GRCh37 (hg19) VCF-style: chr18-43528476-G-C.
Other names: short protein forms P522A.
Identifiers: ClinVar variation 940173 (VCV000940173.4), dbSNP rs748453305, ClinGen allele CA402349100.

ClinVar aggregate classification (germline): Uncertain significance. Review status: criteria provided, multiple submitters, no conflicts (2 of 4 stars). 2 submissions from 2 submitters: Uncertain significance (2). Last evaluated 2019-09-20.

Conditions:
Vici syndrome (VICIS). Identifiers: Orphanet 1493, MedGen C1855772, MONDO:0009452, OMIM 242840.

Submissions (2):

Labcorp Genetics (formerly Invitae), Labcorp
Classification: Uncertain significance for Vici syndrome. Last evaluated: 2019-09-20. Review status: criteria provided, single submitter. Criteria: Invitae Variant Classification Sherloc (09022015). Collection method: clinical testing. Allele origin: germline.
Comment: This sequence change replaces proline with alanine at codon 522 of the EPG5 protein (p.Pro522Ala). The proline residue is moderately conserved and there is a small physicochemical difference between proline and alanine. This variant is not present in population databases (ExAC no frequency). This variant has not been reported in the literature in individuals with EPG5-related conditions. Algorithms developed to predict the effect of missense changes on protein structure and function are either unavailable or do not agree on the potential impact of this missense change (SIFT: "Deleterious"; PolyPhen-2: "Probably Damaging"; Align-GVGD: "Class C0"). In summary, the available evidence is currently insufficient to determine the role of this variant in disease. Therefore, it has been classified as a Variant of Uncertain Significance.

Juno Genomics, Hangzhou Juno Genomics, Inc
Classification: Uncertain significance for Vici syndrome. Review status: criteria provided, single submitter. Criteria: ACMG Guidelines, 2015. Collection method: clinical testing. Allele origin: germline.
Comment: Absent from controls (or at extremely low frequency if recessive) in Genome Aggregation Database.;Multiple lines of computational evidence support a deleterious effect on the gene or gene product.